The following is an entry in ClinVar:

NM_001127208.3(TET2):c.4354C>T (p.Arg1452Ter)

Genes: TET2 (tet methylcytosine dioxygenase 2; plus strand), TET2-AS1 (TET2 antisense RNA 1; minus strand). Cytogenetic location: 4q24.
Variant type: single nucleotide variant.
Coding change: c.4354C>T on transcript NM_001127208.3 (MANE Select); coding-DNA position 4354, C replaced by T.
Protein change: p.Arg1452Ter; replaces arginine 1452 with a stop codon.
Molecular consequence: nonsense.
Genome position (GRCh38, 1-based): chr4:105,272,735, C>T. VCF-style: chr4-105272735-C-T. GRCh37 (hg19) VCF-style: chr4-106193892-C-T.
Other names: short protein forms R1452*.
Identifiers: ClinVar variation 1318626 (VCV001318626.5), dbSNP rs1049545383, ClinGen allele CA102778393.

ClinVar aggregate classification (germline): Conflicting classifications of pathogenicity. Review status: criteria provided, conflicting classifications (1 of 4 stars). 2 submissions from 2 submitters: Pathogenic (1); Uncertain significance (1). Last evaluated 2025-07-27.

Allele frequency attached by ClinVar (database versions not stated): gnomAD exomes 0.00001.

Submissions (2):

Labcorp Genetics (formerly Invitae), Labcorp
Classification: Pathogenic. Last evaluated: 2025-07-27. Review status: criteria provided, single submitter. Criteria: Invitae Variant Classification Sherloc (09022015). Collection method: clinical testing. Allele origin: germline.
Comment: This sequence change creates a premature translational stop signal (p.Arg1452*) in the TET2 gene. It is expected to result in an absent or disrupted protein product. Loss-of-function variants in TET2 are known to be pathogenic (PMID: 36066697). The frequency data for this variant in the population databases is considered unreliable, as metrics indicate poor data quality at this position in the gnomAD database. This variant has not been reported in the literature in individuals affected with TET2-related conditions. ClinVar contains an entry for this variant (Variation ID: 1318626). Algorithms developed to predict the effect of sequence changes on RNA splicing suggest that this variant may create or strengthen a splice site. For these reasons, this variant has been classified as Pathogenic.

GeneDx
Classification: Uncertain significance. Last evaluated: 2020-01-16. Review status: criteria provided, single submitter. Criteria: GeneDx Variant Classification Process June 2021. Collection method: clinical testing. Allele origin: germline. Affected: yes.
Comment: Nonsense variant predicted to result in protein truncation or nonsense mediated decay in a gene for which loss-of-function is not a known mechanism of disease; This variant is associated with the following publications: (PMID: 29216536, 23099237, 31640337)

Literature cited by the submitters: PubMed 36066697 (cited by Labcorp Genetics (formerly Invitae), Labcorp).